The following is an entry in ClinVar:

NM_007294.4(BRCA1):c.4682C>A (p.Thr1561Asn)

Gene: BRCA1 (BRCA1 DNA repair associated; minus strand). Cytogenetic location: 17q21.31.
Variant type: single nucleotide variant.
Coding change: c.4682C>A on transcript NM_007294.4 (MANE Select); coding-DNA position 4682, C replaced by A.
Protein change: p.Thr1561Asn; replaces threonine 1561 with asparagine.
Molecular consequence: missense variant. On other transcripts: non-coding transcript variant (1).
Genome position (GRCh38, 1-based): chr17:43,071,232, G>T on the plus strand (C>A on the coding strand, the complement: BRCA1 is on the minus strand). VCF-style: chr17-43071232-G-T. GRCh37 (hg19) VCF-style: chr17-41223249-G-T.
Other names: c.4682C>A, p.Thr1561Asn (NM_001407593.1, NM_001407594.1, NM_001407597.1 and 8 more transcripts); c.4535C>A, p.Thr1512Asn (NM_001407847.1, NM_001407848.1, NM_001407849.1 and 12 more transcripts); c.4466C>A, p.Thr1489Asn (NM_001407916.1, NM_001407917.1, NM_001407918.1 and 1 more transcripts); c.4748C>A, p.Thr1583Asn (NM_001407582.1, NM_001407581.1); c.4745C>A, p.Thr1582Asn (NM_001407585.1, NM_001407583.1, NM_001407587.1 and 1 more transcripts); c.4742C>A, p.Thr1581Asn (NM_001407590.1, NM_001407591.1); c.4679C>A, p.Thr1560Asn (NM_001407610.1, NM_001407858.1, NM_001407611.1 and 17 more transcripts); c.4541C>A, p.Thr1514Asn (NM_001407725.1, NM_001407724.1, NM_001407726.1 and 13 more transcripts); and 70 more; short protein forms T1561N, T1514N, T1582N, T457N, T1265N, T1472N, T1513N, T1519N.
Identifiers: ClinVar variation 246219 (VCV000246219.14), dbSNP rs56158747, ClinGen allele CA052746.

ClinVar aggregate classification (germline): Uncertain significance. Review status: criteria provided, multiple submitters, no conflicts (2 of 4 stars). 3 submissions from 3 submitters: Uncertain significance (3). Last evaluated 2025-09-20.

Conditions:
Hereditary cancer-predisposing syndrome. Also called: Hereditary neoplastic syndrome; Neoplastic Syndromes, Hereditary; Tumor predisposition; Hereditary Cancer Syndrome. Identifiers: Orphanet 140162, MedGen C0027672, MeSH D009386, MONDO:0015356.
Hereditary breast ovarian cancer syndrome. Also called: Hereditary breast and ovarian cancer syndrome (HBOC); Hereditary breast and ovarian cancer; Hereditary breast and ovarian cancer syndrome; Breast and ovarian cancer; Hereditary breast and/or ovarian cancer syndrome; BRCA1- and BRCA2-Associated Hereditary Breast and Ovarian Cancer. Identifiers: Orphanet 145, MedGen C0677776, MeSH D061325, MONDO:0003582. Disease mechanism: loss of function.

Allele frequency attached by ClinVar (database versions not stated): 1000 Genomes Project 30x 0.00031.
gnomAD v4.1: 1 of 1,614,078 alleles (0.000062%); highest among the groups gnomAD compares: South Asian, 0.0011%; no homozygotes.

Submissions (3):

Labcorp Genetics (formerly Invitae), Labcorp
Classification: Uncertain significance for Hereditary breast ovarian cancer syndrome. Last evaluated: 2025-09-20. Review status: criteria provided, single submitter. Criteria: Invitae Variant Classification Sherloc (09022015). Collection method: clinical testing. Allele origin: germline.
Comment: This sequence change replaces threonine, which is neutral and polar, with asparagine, which is neutral and polar, at codon 1561 of the BRCA1 protein (p.Thr1561Asn). This variant is present in population databases (rs56158747, gnomAD 0.003%). This variant has not been reported in the literature in individuals affected with BRCA1-related conditions. ClinVar contains an entry for this variant (Variation ID: 246219). Invitae Evidence Modeling of protein sequence and biophysical properties (such as structural, functional, and spatial information, amino acid conservation, physicochemical variation, residue mobility, and thermodynamic stability) indicates that this missense variant is not expected to disrupt BRCA1 protein function with a negative predictive value of 95%. In summary, the available evidence is currently insufficient to determine the role of this variant in disease. Therefore, it has been classified as a Variant of Uncertain Significance.

Color Diagnostics, LLC DBA Color Health
Classification: Uncertain significance for Hereditary cancer-predisposing syndrome. Last evaluated: 2024-09-04. Review status: criteria provided, single submitter. Criteria: ACMG Guidelines, 2015. Collection method: clinical testing. Allele origin: germline.
Comment: This missense variant replaces threonine with asparagine at codon 1561 of the BRCA1 protein. Computational prediction is inconclusive regarding the impact of this variant on protein structure and function. To our knowledge, functional studies have not been reported for this variant. This variant has not been reported in individuals affected with hereditary cancer in the literature. This variant has been identified in 1/250362 chromosomes in the general population by the Genome Aggregation Database (gnomAD). The available evidence is insufficient to determine the role of this variant in disease conclusively. Therefore, this variant is classified as a Variant of Uncertain Significance.

GeneDx
Classification: Uncertain significance. Last evaluated: 2015-12-10. Review status: criteria provided, single submitter. Criteria: GeneDx Variant Classification (06012015). Collection method: clinical testing. Allele origin: germline. Affected: yes.
Comment: This variant is denoted BRCA1 c.4682C>A at the cDNA level, p.Thr1561Asn (T1561N) at the protein level, and results in the change of a Threonine to an Asparagine (ACC>AAC). Using alternate nomenclature, this variant would be defined as BRCA1 4801C>A. This variant has not, to our knowledge, been published in the literature as pathogenic or benign. BRCA1 Thr1561Asn was not observed in approximately 6,500 individuals of European and African American ancestry in the NHLBI Exome Sequencing Project, suggesting it is not a common benign variant in these populations. Since Threonine and Asparagine share similar properties, this is considered a conservative amino acid substitution. BRCA1 Thr1561Asn occurs at a position where amino acids with properties similar to Threonine are tolerated across species and is located in a region known to interact with multiple proteins (Paul 2014). In silico analyses are inconsistent regarding the effect this variant may have on protein structure and function. Based on currently available evidence, it is unclear whether BRCA1 Thr1561Asn is a pathogenic or benign variant. We consider it to be a variant of uncertain significance.